The following is an entry in ClinVar:

ClinVar aggregate classification (germline): Uncertain significance (1 of 4 stars; one submission).

Conditions:
Hereditary cancer-predisposing syndrome. Also called: Tumor predisposition; Neoplastic Syndromes, Hereditary; Hereditary Cancer Syndrome; Hereditary neoplastic syndrome. Identifiers: Orphanet 140162, MedGen C0027672, MeSH D009386, MONDO:0015356.

Submission:

Ambry Genetics
Classification: Uncertain significance for Hereditary cancer-predisposing syndrome. Last evaluated: 2024-12-21. Review status: criteria provided, single submitter. Criteria: Ambry Variant Classification Scheme 2023. Collection method: clinical testing. Allele origin: germline.
Comment: The p.P103L variant (also known as c.308C>T), located in coding exon 3 of the MITF gene, results from a C to T substitution at nucleotide position 308. The proline at codon 103 is replaced by leucine, an amino acid with similar properties. This amino acid position is conserved. In addition, this alteration is predicted to be tolerated by in silico analysis. Based on the available evidence, the clinical significance of this variant remains unclear.

NM_001354604.2(MITF):c.629C>T (p.Pro210Leu)

Gene: MITF (melanocyte inducing transcription factor; plus strand). Cytogenetic location: 3p13.
Variant type: single nucleotide variant.
Coding change: c.629C>T on transcript NM_001354604.2 (MANE Select); coding-DNA position 629, C replaced by T.
Protein change: p.Pro210Leu; replaces proline 210 with leucine.
Molecular consequence: missense variant.
Genome position (GRCh38, 1-based): chr3:69,939,144, C>T. VCF-style: chr3-69939144-C-T. GRCh37 (hg19) VCF-style: chr3-69988295-C-T.
Other names: c.308C>T, p.Pro103Leu (NM_000248.4, NM_198158.3); c.473C>T, p.Pro158Leu (NM_001184967.2, NM_001354608.2); c.626C>T, p.Pro209Leu (NM_001354605.2, NM_001354606.2, NM_006722.3); c.578C>T, p.Pro193Leu (NM_001354607.2); c.629C>T, p.Pro210Leu (NM_198159.3); c.581C>T, p.Pro194Leu (NM_198177.3); c.140C>T, p.Pro47Leu (NM_198178.3); short protein forms P47L, P158L, P210L, P194L, P209L, P103L, P193L.
Identifiers: ClinVar variation 3873210 (VCV003873210.1).